The following is an entry in ClinVar:

ClinVar aggregate classification (germline): Likely benign. Review status: criteria provided, multiple submitters, no conflicts (2 of 4 stars). 6 submissions from 6 submitters: Likely benign (5). 1 of the submissions does not count toward it. Last evaluated 2026-01-31.

Conditions:
Knobloch syndrome (KNO). Also called: RETINAL DETACHMENT AND OCCIPITAL ENCEPHALOCELE; Myopia retinal detachment encephalocele. Identifiers: Orphanet 1571, MedGen C1849409, MONDO:0800166.
COL18A1-related disorder. Also called: COL18A1-related condition; COL18A1-related disorders.

Allele frequency attached by ClinVar (database versions not stated): 1000 Genomes Project 0.00100; 1000 Genomes Project 30x 0.00109; TOPMed 0.00143; gnomAD exomes 0.00151 and 0.00248; ESP Exome Variant Server 0.00160; gnomAD 0.00161 and 0.00167; ExAC 0.00179.
gnomAD v4.1: 3,841 of 1,614,044 alleles (0.24%); highest among the groups gnomAD compares: Non-Finnish European, 0.3%; 5 homozygotes.

Submissions (6):

Labcorp Genetics (formerly Invitae), Labcorp
Classification: Likely benign. Last evaluated: 2026-01-31. Review status: criteria provided, single submitter. Criteria: Invitae Variant Classification Sherloc (09022015). Collection method: clinical testing. Allele origin: germline.

CeGaT Center for Human Genetics Tuebingen
Classification: Likely benign. Last evaluated: 2025-07-01. Review status: criteria provided, single submitter. Criteria: CeGaT Center For Human Genetics Tuebingen Variant Classification Criteria Version 2. Collection method: clinical testing. Allele origin: germline. Affected: yes. Observed: 4 variant alleles.
Comment: COL18A1: BS2

Blueprint Genetics
Classification: Likely benign. Last evaluated: 2024-11-25. Review status: criteria provided, single submitter. Criteria: ACMG Guidelines, 2015. Collection method: clinical testing. Allele origin: germline.

Illumina Laboratory Services, Illumina
Classification: Likely benign for Knobloch syndrome 1. Last evaluated: 2018-01-12. Review status: criteria provided, single submitter. Criteria: ICSL Variant Classification Criteria 13 December 2019. Collection method: clinical testing. Allele origin: germline.
Comment: This variant was observed in the ICSL laboratory as part of a predisposition screen in an ostensibly healthy population. It had not been previously curated by ICSL or reported in the Human Gene Mutation Database (HGMD: prior to June 1st, 2018), and was therefore a candidate for classification through an automated scoring system. Utilizing variant allele frequency, disease prevalence and penetrance estimates, and inheritance mode, an automated score was calculated to assess if this variant is too frequent to cause the disease. Based on the score and internal cut-off values, a variant classified as likely benign is not then subjected to further curation. The score for this variant resulted in a classification of likely benign for this disease.

Breakthrough Genomics
Classification: Likely benign. Review status: criteria provided, single submitter. Criteria: ACMG Guidelines, 2015. Collection method: not provided. Allele origin: germline. Inheritance: Autosomal recessive inheritance. Affected: yes.

PreventionGenetics, part of Exact Sciences
Classification: Likely benign for COL18A1-related condition. Last evaluated: 2022-05-16. Review status: no assertion criteria provided. Collection method: clinical testing. Allele origin: germline. Not counted in ClinVar's aggregate classification.
Comment: This variant is classified as likely benign based on ACMG/AMP sequence variant interpretation guidelines (Richards et al. 2015 PMID: 25741868, with internal and published modifications).

NM_001379500.1(COL18A1):c.496G>A (p.Ala166Thr)

Gene: COL18A1 (collagen type XVIII alpha 1 chain; plus strand). Cytogenetic location: 21q22.3.
Variant type: single nucleotide variant.
Coding change: c.496G>A on transcript NM_001379500.1 (MANE Select); coding-DNA position 496, G replaced by A.
Protein change: p.Ala166Thr; replaces alanine 166 with threonine.
Molecular consequence: missense variant.
Genome position (GRCh38, 1-based): chr21:45,468,631, G>A. VCF-style: chr21-45468631-G-A. GRCh37 (hg19) VCF-style: chr21-46888545-G-A.
Other names: NM_130445.2:c.496G>A; c.1036G>A, p.Ala346Thr (NM_030582.4); c.1741G>A, p.Ala581Thr (NM_130444.3); c.1036G>A (NM_030582.3); short protein forms A346T, A581T, A166T.
Identifiers: ClinVar variation 898069 (VCV000898069.37), dbSNP rs144281842, ClinGen allele CA10065764.